The following is an entry in ClinVar:

ClinVar aggregate classification (germline): Uncertain significance. Review status: criteria provided, multiple submitters, no conflicts (2 of 4 stars). 3 submissions from 3 submitters: Uncertain significance (3). Last evaluated 2025-03-31.

Conditions:
Ehlers-Danlos syndrome, type 4 (EDSVASC). Also called: Ehlers-Danlos Syndrome Type IV; Ehlers-Danlos syndrome vascular type; Ehlers Danlos syndrome, ecchymotic type; Ehlers Danlos syndrome, arterial type; Ehlers Danlos syndrome, Sack-Barabas type. Identifiers: Orphanet 286, MedGen C0268338, MONDO:0017314, OMIM 130050.
Familial thoracic aortic aneurysm and aortic dissection (TAAD). Also called: Thoracic aortic aneurysms and dissections. Identifiers: Orphanet 91387, MedGen C4707243, MONDO:0019625.

Allele frequency attached by ClinVar (database versions not stated): TOPMed below 0.00001; gnomAD exomes 0.00001; ExAC 0.00002.
gnomAD v4.1: 18 of 1,613,062 alleles (0.0011%); highest among the groups gnomAD compares: Non-Finnish European, 0.0014%; no homozygotes.

Submissions (3):

Labcorp Genetics (formerly Invitae), Labcorp
Classification: Uncertain significance for Ehlers-Danlos syndrome, type 4. Last evaluated: 2025-03-31. Review status: criteria provided, single submitter. Criteria: Invitae Variant Classification Sherloc (09022015). Collection method: clinical testing. Allele origin: germline.
Comment: This sequence change replaces alanine, which is neutral and non-polar, with threonine, which is neutral and polar, at codon 40 of the COL3A1 protein (p.Ala40Thr). This variant is present in population databases (rs763720540, gnomAD 0.003%). This variant has not been reported in the literature in individuals affected with COL3A1-related conditions. ClinVar contains an entry for this variant (Variation ID: 924898). Invitae Evidence Modeling of protein sequence and biophysical properties (such as structural, functional, and spatial information, amino acid conservation, physicochemical variation, residue mobility, and thermodynamic stability) indicates that this missense variant is not expected to disrupt COL3A1 protein function with a negative predictive value of 95%. In summary, the available evidence is currently insufficient to determine the role of this variant in disease. Therefore, it has been classified as a Variant of Uncertain Significance.

All of Us Research Program, National Institutes of Health
Classification: Uncertain significance for Ehlers-Danlos syndrome, type 4. Last evaluated: 2024-06-09. Review status: criteria provided, single submitter. Criteria: ACMG Guidelines, 2015. Collection method: clinical testing. Allele origin: germline. Inheritance: Autosomal dominant inheritance. Observed: 2 variant alleles, 2 heterozygotes.
Comment: Variant of Uncertain Significance due to insufficient evidence: This missense variant is located in the N-terminal propeptide sequence of the COL3A1 protein. Computational prediction tools and conservation analyses suggest that this variant may not impact the protein function. Computational splicing tools suggest that this variant may not impact RNA splicing. To our knowledge, functional assays have not been performed for this variant nor has this variant been reported in individuals affected with cardiovascular disorders in the literature. This variant has been identified in 3/245724 chromosomes in the general population by the Genome Aggregation Database (gnomAD). Available evidence is insufficient to determine the pathogenicity of this variant conclusively.

This study involves interpretation of variants in research participants for the purpose of population health screening. Participant phenotype was not available at the time of variant classification. Additional details can be found in publication PMID: 35346344, PMCID: PMC8962531

Color Diagnostics, LLC DBA Color Health
Classification: Uncertain significance for Familial thoracic aortic aneurysm and aortic dissection. Last evaluated: 2023-12-05. Review status: criteria provided, single submitter. Criteria: ACMG Guidelines, 2015. Collection method: clinical testing. Allele origin: germline.
Comment: Variant of Uncertain Significance due to insufficient evidence: This missense variant is located in the N-terminal propeptide sequence of the COL3A1 protein. Computational prediction tools and conservation analyses suggest that this variant may not impact the protein function. Computational splicing tools suggest that this variant may not impact RNA splicing. To our knowledge, functional assays have not been performed for this variant nor has this variant been reported in individuals affected with cardiovascular disorders in the literature. This variant has been identified in 3/245724 chromosomes in the general population by the Genome Aggregation Database (gnomAD). Available evidence is insufficient to determine the pathogenicity of this variant conclusively.

NM_000090.4(COL3A1):c.118G>A (p.Ala40Thr)

Gene: COL3A1 (collagen type III alpha 1 chain; plus strand). Cytogenetic location: 2q32.2.
Variant type: single nucleotide variant.
Coding change: c.118G>A on transcript NM_000090.4 (MANE Select); coding-DNA position 118, G replaced by A.
Protein change: p.Ala40Thr; replaces alanine 40 with threonine.
Molecular consequence: missense variant.
Genome position (GRCh38, 1-based): chr2:188,984,798, G>A. VCF-style: chr2-188984798-G-A. GRCh37 (hg19) VCF-style: chr2-189849524-G-A.
Other names: short protein forms A40T.
Identifiers: ClinVar variation 924898 (VCV000924898.10), dbSNP rs763720540, ClinGen allele CA073909.